The following is an entry in ClinVar:

ClinVar aggregate classification (germline): Pathogenic (1 of 4 stars; one submission).

Conditions:
Hereditary cancer-predisposing syndrome. Also called: Neoplastic Syndromes, Hereditary; Tumor predisposition; Hereditary Cancer Syndrome; Hereditary neoplastic syndrome. Identifiers: Orphanet 140162, MedGen C0027672, MeSH D009386, MONDO:0015356.

Submission:

Ambry Genetics
Classification: Pathogenic for Hereditary cancer-predisposing syndrome. Last evaluated: 2015-06-30. Review status: criteria provided, single submitter. Criteria: Ambry Variant Classification Scheme 2023. Collection method: clinical testing. Allele origin: germline.
Comment: The c.2280delT pathogenic mutation, located in coding exon 5 of the PALB2 gene, results from a deletion of one nucleotide at nucleotide position 2280, causing a translational frameshift with a predicted alternate stop codon. Since frameshifts are typically deleterious in nature, this alteration is interpreted as a disease-causing mutation (ACMG Recommendations for Standards for Interpretation and Reporting of Sequence Variations. Revision 2007. Genet Med. 2008;10:294).

NM_024675.4(PALB2):c.2280del (p.Ala761fs)

Gene: PALB2 (partner and localizer of BRCA2; minus strand). Cytogenetic location: 16p12.2.
Variant type: Deletion.
Coding change: c.2280del on transcript NM_024675.4 (MANE Select); coding-DNA position 2280, one base deleted (T; older notation c.2280delT).
Protein change: p.Ala761fs; shifts the reading frame from alanine 761.
Molecular consequence: frameshift variant.
Genome position (GRCh38, 1-based): chr16:23,629,874, A deleted on the plus strand (T on the coding strand, the reverse complement: PALB2 is on the minus strand); the first of 2 consecutive A bases (chr16:23,629,874-23,629,875); deleting either gives the same sequence. VCF-style (leftmost placement, unchanged base first): chr16-23629873-CA-C. GRCh37 (hg19) VCF-style: chr16-23641194-CA-C.
Other names: c.2280delT (NM_024675.3); short protein forms A761fs.
Identifiers: ClinVar variation 232324 (VCV000232324.5), dbSNP rs876659697, ClinGen allele CA10579977.